The following is an entry in ClinVar:

ClinVar aggregate classification (germline): Uncertain significance. Review status: criteria provided, multiple submitters, no conflicts (2 of 4 stars). 2 submissions from 2 submitters: Uncertain significance (2). Last evaluated 2025-05-01.

Conditions:
IFNAR2-related disorder. Also called: IFNAR2-related condition.

Allele frequency attached by ClinVar (database versions not stated): gnomAD 0.00001; ExAC 0.00002; TOPMed 0.00002; gnomAD exomes 0.00003; ESP Exome Variant Server 0.00015.
gnomAD v4.1: 49 of 1,614,020 alleles (0.003%); highest among the groups gnomAD compares: Middle Eastern, 0.016%; no homozygotes.

Submissions (2):

PreventionGenetics, part of Exact Sciences
Classification: Uncertain significance for IFNAR2-related condition. Last evaluated: 2025-05-01. Review status: criteria provided, single submitter. Criteria: ACMG Guidelines, 2015. Collection method: clinical testing. Allele origin: germline.
Comment: The IFNAR2 c.1036C>T variant is predicted to result in the amino acid substitution p.Pro346Ser. To our knowledge, this variant has not been reported in the literature. This variant is reported in 0.0054% of alleles in individuals of European (non-Finnish) descent in gnomAD. At this time, the clinical significance of this variant is uncertain due to the absence of conclusive functional and genetic evidence.

Labcorp Genetics (formerly Invitae), Labcorp
Classification: Uncertain significance. Last evaluated: 2022-01-27. Review status: criteria provided, single submitter. Criteria: Invitae Variant Classification Sherloc (09022015). Collection method: clinical testing. Allele origin: germline.
Comment: This sequence change replaces proline, which is neutral and non-polar, with serine, which is neutral and polar, at codon 346 of the IFNAR2 protein (p.Pro346Ser). This variant is present in population databases (rs148519830, gnomAD 0.006%). This variant has not been reported in the literature in individuals affected with IFNAR2-related conditions. Algorithms developed to predict the effect of missense changes on protein structure and function output the following: SIFT: "Tolerated"; PolyPhen-2: "Benign"; Align-GVGD: "Class C0". The serine amino acid residue is found in multiple mammalian species, which suggests that this missense change does not adversely affect protein function. Algorithms developed to predict the effect of sequence changes on RNA splicing suggest that this variant may create or strengthen a splice site. In summary, the available evidence is currently insufficient to determine the role of this variant in disease. Therefore, it has been classified as a Variant of Uncertain Significance.

NM_001289125.3(IFNAR2):c.1036C>T (p.Pro346Ser)

Genes: IFNAR2 (interferon alpha and beta receptor subunit 2; plus strand), IFNAR2-IL10RB (IFNAR2-IL10RB readthrough; plus strand). Cytogenetic location: 21q22.11.
Variant type: single nucleotide variant.
Coding change: c.1036C>T on transcript NM_001289125.3 (MANE Select); coding-DNA position 1036, C replaced by T.
Protein change: p.Pro346Ser; replaces proline 346 with serine.
Molecular consequence: missense variant. On other transcripts: 3 prime UTR variant (5).
Genome position (GRCh38, 1-based): chr21:33,262,988, C>T. VCF-style: chr21-33262988-C-T. GRCh37 (hg19) VCF-style: chr21-34635293-C-T.
Other names: c.1036C>T (NM_207585.2); c.*272C>T (NM_000874.5, NM_207584.3); c.*185C>T (NM_001289126.2, NM_001289128.2); c.*411C>T (NM_001385054.1); c.1036C>T, p.Pro346Ser (NM_001385055.1, NM_207585.3); short protein forms P346S.
Identifiers: ClinVar variation 1959489 (VCV001959489.4), dbSNP rs148519830, ClinGen allele CA10005899.